The following is an entry in ClinVar:

ClinVar aggregate classification (germline): Likely benign (0 of 4 stars; one submission).

Conditions:
NEMF-related disorder. Also called: NEMF-related condition.

Allele frequency attached by ClinVar (database versions not stated): gnomAD 0.00008; TOPMed 0.00021; gnomAD exomes 0.00031; ExAC 0.00050.
gnomAD v4.1: 196 of 1,610,052 alleles (0.012%); highest among the groups gnomAD compares: Admixed American, 0.33%; no homozygotes.

Submission:

PreventionGenetics, part of Exact Sciences
Classification: Likely benign for NEMF-related condition. Last evaluated: 2023-03-28. Review status: no assertion criteria provided. Collection method: clinical testing. Allele origin: germline.
Comment: This variant is classified as likely benign based on ACMG/AMP sequence variant interpretation guidelines (Richards et al. 2015 PMID: 25741868, with internal and published modifications).

NM_004713.6(NEMF):c.2451A>T (p.Ser817=)

Gene: NEMF (nuclear export mediator factor; minus strand). Cytogenetic location: 14q21.3.
Variant type: single nucleotide variant.
Coding change: c.2451A>T on transcript NM_004713.6 (MANE Select); coding-DNA position 2451, A replaced by T.
Protein change: p.Ser817=; no amino-acid change (serine 817 retained).
Molecular consequence: synonymous variant.
Genome position (GRCh38, 1-based): chr14:49,799,489, T>A on the plus strand (A>T on the coding strand, the complement: NEMF is on the minus strand). VCF-style: chr14-49799489-T-A. GRCh37 (hg19) VCF-style: chr14-50266207-T-A.
Other names: c.2388A>T, p.Ser796= (NM_001301732.3).
Identifiers: ClinVar variation 3033116 (VCV003033116.2), dbSNP rs750918286, ClinGen allele CA7174938.
Genomic context (GRCh38, chr14:49,799,489, plus strand): 5'-AAAAAGAAAAACATGCTTTTTAGTTAATTAACACAGATGTGTTTACCTTCTTTCCTTGGC[T>A]GACAAATGTCTCCGGCTCTGTGATTTACTGTCACTCTATTAAAACAAAAAAACAGGCAAA-3'
Protein context (NP_004704.3, residues 807-827): DSKSQSRRHL[Ser817=]AKERREMKKK